The following is an entry in ClinVar:

ClinVar aggregate classification (germline): Pathogenic (1 of 4 stars; one submission).

Conditions:
Meckel-Gruber syndrome. Also called: GRUBER SYNDROME; DYSENCEPHALIA SPLANCHNOCYSTICA; Dysencephalia splachnocystica. Identifiers: Orphanet 564, MedGen C0265215, MONDO:0018921.
Joubert syndrome. Also called: Familial aplasia of the vermis; JOUBERT-BOLTSHAUSER SYNDROME; CEREBELLOPARENCHYMAL DISORDER IV. Identifiers: Orphanet 475, MedGen C5979921, MONDO:0018772.

Submission:

Labcorp Genetics (formerly Invitae), Labcorp
Classification: Pathogenic for Joubert syndrome; Meckel-Gruber syndrome. Last evaluated: 2025-06-14. Review status: criteria provided, single submitter. Criteria: Invitae Variant Classification Sherloc (09022015). Collection method: clinical testing. Allele origin: germline.
Comment: This sequence change creates a premature translational stop signal (p.Ser135Alafs*24) in the B9D1 gene. While this is not anticipated to result in nonsense mediated decay, it is expected to disrupt the last 70 amino acid(s) of the B9D1 protein. This variant is not present in population databases (gnomAD no frequency). This variant has not been reported in the literature in individuals affected with B9D1-related conditions. This variant disrupts a region of the B9D1 protein in which other variant(s) (p.Arg156Gln) have been determined to be pathogenic (PMID: 24886560; internal data). This suggests that this is a clinically significant region of the protein, and that variants that disrupt it are likely to be disease-causing. For these reasons, this variant has been classified as Pathogenic.

Literature cited by the submitters: PubMed 24886560.

NM_015681.6(B9D1):c.403del (p.Ser135fs)

Gene: B9D1 (B9 domain containing 1; minus strand). Cytogenetic location: 17p11.2.
Variant type: Deletion.
Coding change: c.403del on transcript NM_015681.6 (MANE Select); coding-DNA position 403, one base deleted (A; older notation c.403delA).
Protein change: p.Ser135fs; shifts the reading frame from serine 135.
Molecular consequence: frameshift variant.
Genome position (GRCh38, 1-based): chr17:19,347,270, T deleted on the plus strand (A on the coding strand, the reverse complement: B9D1 is on the minus strand); the first of 2 consecutive T bases (chr17:19,347,270-19,347,271); deleting either gives the same sequence. VCF-style (leftmost placement, unchanged base first): chr17-19347269-CT-C. GRCh37 (hg19) VCF-style: chr17-19250582-CT-C.
Other names: c.403del, p.Ser135fs (NM_001321214.2, NM_001321215.3, NM_001321216.2 and 4 more transcripts); c.43del, p.Ser15fs (NM_001368769.2); short protein forms S135fs, S15fs.
Identifiers: ClinVar variation 4793014 (VCV004793014.1).